The following is an entry in ClinVar:

ClinVar aggregate classification (germline): Pathogenic/Likely pathogenic. Review status: criteria provided, multiple submitters, no conflicts (2 of 4 stars). 4 submissions from 4 submitters: Pathogenic (2); Likely pathogenic (1). 1 of the submissions does not count toward it. Last evaluated 2026-02-27.

Conditions:
IFT140-related disorder. Also called: IFT140-related condition.
Renal cyst. Also called: Renal cysts; cystic kidneys; Cystic kidney disease. Identifiers: MedGen C3887499, MONDO:0002473, HP:0000107.
Inborn genetic diseases. Identifiers: MedGen C0950123, MeSH D030342.

Allele frequency attached by ClinVar (database versions not stated): gnomAD 0.00001; TOPMed 0.00001.

Submissions (4):

Ambry Genetics
Classification: Likely pathogenic for Inborn genetic diseases. Last evaluated: 2026-02-27. Review status: criteria provided, single submitter. Criteria: Ambry Variant Classification Scheme 2023. Collection method: clinical testing. Allele origin: germline.
Comment: The c.2768+1dupG variant consists of a duplication of G at position 2768+1 and disrupts the canonical splice donor site after exon 21 (coding exon 19) of the IFT140 gene. Variants that disrupt the canonical splice site are expected to cause aberrant splicing, resulting in an abnormal protein or a transcript that is subject to nonsense-mediated mRNA decay. This variant was not reported in population-based cohorts in the Genome Aggregation Database (gnomAD). This variant was reported in individual(s) with features consistent with IFT140-related polycystic kidney disease (Clark, 2024). Other variant(s) impacting the same donor site (c.2767_2768+2delTAGT, c.2768+1G>A) have been identified in individual(s) with features consistent with IFT140-related polycystic kidney disease and/or IFT140-related ciliopathies (Clark, 2024; Koyanagi, 2019; Senum, 2022). This nucleotide position is highly conserved in available vertebrate species. In silico splice site analysis predicts that this alteration will weaken the native splice donor site and will result in the creation or strengthening of a novel splice donor site. Based on the available evidence, this alteration is classified as likely pathogenic.

Victorian Clinical Genetics Services, Murdoch Childrens Research Institute
Classification: Pathogenic for Renal cyst. Last evaluated: 2025-07-24. Review status: criteria provided, single submitter. Criteria: ACMG Guidelines, 2015. Collection method: clinical testing. Allele origin: germline. Affected: yes.
Comment: This variant is classified as Pathogenic. Evidence in support of pathogenic classification: Canonical splice site variant without proven consequence on splicing (no functional evidence available); Variant is present in gnomAD <0.01 (v4: 3 heterozygote(s), 0 homozygote(s)); This variant has moderate previous evidence of pathogenicity in unrelated individuals. This variant has been classified as likely pathogenic by a clinical laboratory in ClinVar, and reported in the literature in two individuals with polycystic kidney disease (PMID: 39136524, 36573973); Another canonical splice variant comparable to the one identified in this case has limited previous evidence for pathogenicity. c.2767_2768+2delTAGT has been classified as likely pathogenic/pathogenic by multiple clinical laboratories in ClinVar; Abnormal splicing is predicted by in silico tool and affected nucleotide is highly conserved. Additional information: This variant is heterozygous; This gene is associated with both recessive and dominant disease. Retinitis pigmentosa 80 (MIM#617781) and short-rib thoracic dysplasia 9 with or without polydactyly (MIM#266920) are inherited in an autosomal recessive manner, while cystic kidney disease (MONDO:0002473), IFT140-related, is inherited in an autosomal dominant manner (OMIM, PMID: 34890546); Alternative nucleotide change(s) at the same canonical splice site, are present in gnomAD (Highest allele count: v4: 44 heterozygote(s), 0 homozygote(s)); No published evidence of segregation with disease has been identified for this variant; No published functional evidence has been identified for this variant; Loss of function is a known mechanism of disease in this gene and is associated with retinitis pigmentosa 80 (MIM#617781), short-rib thoracic dysplasia 9 with or without polydactyly (MIM#266920) and cystic kidney disease (MONDO:0002473), IFT140-related (PMID: 34890546); The dominant condition associated with this gene may have incomplete penetrance. Parents of children with short-rib thoracic dysplasia 9 with or without polydactyly, who carry a single pathogenic variant that has also previously been associated with the dominant cystic kidney disease phenotype, have been reported as unaffected (PMID: 34890546). However, these parents weren't specifically assessed for cystic kidney disease; Inheritance information for this variant is not currently available in this individual.

GeneDx
Classification: Pathogenic. Last evaluated: 2024-09-19. Review status: criteria provided, single submitter. Criteria: GeneDx Variant Classification Process June 2021. Collection method: clinical testing. Allele origin: germline. Affected: yes.
Comment: Reported in a patient referred for autosomal dominant polycystic kidney disease; however, detailed clinical information was not provided (PMID: 39136524); Not observed at significant frequency in large population cohorts (gnomAD); Canonical splice site variant predicted to result in a null allele in a gene for which loss of function is a known mechanism of disease; This variant is associated with the following publications: (PMID: 39136524)

PreventionGenetics, part of Exact Sciences
Classification: Likely pathogenic for IFT140-related condition. Last evaluated: 2023-12-31. Review status: no assertion criteria provided. Collection method: clinical testing. Allele origin: germline. Not counted in ClinVar's aggregate classification.
Comment: The IFT140 c.2768+1dupG variant is predicted to result in a duplication affecting a canonical splice site. This variant is predicted to interfere with the normal splicing and result in a premature protein termination (p.Tyr923*). To our knowledge, this variant has not been reported in the literature or in a large population database, indicating this variant is rare. This variant is interpreted as likely pathogenic for both autosomal recessive and autosomal dominant IFT140-related disorders.

Literature cited by the submitters: PubMed 31213501 (cited by Ambry Genetics); PubMed 34890546 (cited by Ambry Genetics and Victorian Clinical Genetics Services, Murdoch Childrens Research Institute); PubMed 39136524 (cited by Ambry Genetics and Victorian Clinical Genetics Services, Murdoch Childrens Research Institute); PubMed 36573973 (cited by Victorian Clinical Genetics Services, Murdoch Childrens Research Institute).

NM_014714.4(IFT140):c.2768+1dup

Gene: IFT140 (intraflagellar transport 140; minus strand). Cytogenetic location: 16p13.3.
Variant type: Duplication.
Coding change: c.2768+1dup on transcript NM_014714.4 (MANE Select); the canonical splice donor site of the intron after coding-DNA position 2768, one base duplicated (G; older notation c.2768+1dupG).
Molecular consequence: splice donor variant.
Genome position (GRCh38, 1-based): chr16:1,525,886, C duplicated on the plus strand (G on the coding strand, the reverse complement: IFT140 is on the minus strand). VCF-style (leftmost placement, unchanged base first): chr16-1525885-A-AC. GRCh37 (hg19) VCF-style: chr16-1575886-A-AC.
Identifiers: ClinVar variation 3033631 (VCV003033631.5), dbSNP rs1404356337, ClinGen allele CA718388350.